The following is an entry in ClinVar:

ClinVar aggregate classification (germline): Uncertain significance (1 of 4 stars; one submission).

gnomAD v4.1: 24 of 1,614,034 alleles (0.0015%); highest among the groups gnomAD compares: Non-Finnish European, 0.0019%; no homozygotes.

Submission:

Mayo Clinic Laboratories, Mayo Clinic
Classification: Uncertain significance. Last evaluated: 2025-02-22. Review status: criteria provided, single submitter. Criteria: ACMG Guidelines, 2015. Collection method: clinical testing. Allele origin: germline. Observed: 1 variant allele.
Comment: BP4, PM2_supporting

NM_015378.4(VPS13D):c.5005C>T (p.His1669Tyr)

Gene: VPS13D (vacuolar protein sorting 13 homolog D; plus strand). Cytogenetic location: 1p36.22.
Variant type: single nucleotide variant.
Coding change: c.5005C>T on transcript NM_015378.4 (MANE Select); coding-DNA position 5005, C replaced by T.
Protein change: p.His1669Tyr; replaces histidine 1669 with tyrosine.
Molecular consequence: missense variant.
Genome position (GRCh38, 1-based): chr1:12,283,107, C>T. VCF-style: chr1-12283107-C-T. GRCh37 (hg19) VCF-style: chr1-12343164-C-T.
Other names: p.His1669Tyr; c.5005C>T, p.His1669Tyr (NM_018156.4); short protein forms H1669Y.
Identifiers: ClinVar variation 4540691 (VCV004540691.1).